The following is an entry in ClinVar:

NM_003072.5(SMARCA4):c.1246-9C>T

Gene: SMARCA4 (SWI/SNF related BAF chromatin remodeling complex subunit ATPase 4; plus strand). Cytogenetic location: 19p13.2.
Variant type: single nucleotide variant.
Coding change: c.1246-9C>T on transcript NM_003072.5 (MANE Select); 9 bases into the intron before coding-DNA position 1246, C replaced by T.
Molecular consequence: intron variant.
Genome position (GRCh38, 1-based): chr19:10,991,141, C>T. VCF-style: chr19-10991141-C-T. GRCh37 (hg19) VCF-style: chr19-11101817-C-T.
Other names: c.1246-9C>T (NM_001128844.3, NM_001128849.3, NM_001128847.4 and 5 more transcripts).
Identifiers: ClinVar variation 470237 (VCV000470237.9), dbSNP rs1324930849, ClinGen allele CA632115165.

ClinVar aggregate classification (germline): Likely benign. Review status: criteria provided, multiple submitters, no conflicts (2 of 4 stars). 2 submissions from 2 submitters: Likely benign (2). Last evaluated 2026-07-06.

Conditions:
Rhabdoid tumor predisposition syndrome 2 (RTPS2). Identifiers: Orphanet 231108, Orphanet 69077, MedGen C2750074, MONDO:0013224, OMIM 613325.

Allele frequency attached by ClinVar (database versions not stated): gnomAD exomes below 0.00001.
gnomAD v4.1: 2 of 1,613,410 alleles (0.00012%); highest among the groups gnomAD compares: South Asian, 0.0011%; no homozygotes.

Submissions (2):

Myriad Genetics, Inc.
Classification: Likely benign for Rhabdoid tumor predisposition syndrome 2. Last evaluated: 2026-07-06. Review status: criteria provided, single submitter. Criteria: Myriad Autosomal Dominant, Autosomal Recessive and X-Linked Classification Criteria (2023). Collection method: clinical testing. Allele origin: unknown.
Comment: This variant is considered likely benign. This variant is intronic and is not expected to impact mRNA splicing.

Labcorp Genetics (formerly Invitae), Labcorp
Classification: Likely benign for Rhabdoid tumor predisposition syndrome 2. Last evaluated: 2025-07-08. Review status: criteria provided, single submitter. Criteria: Invitae Variant Classification Sherloc (09022015). Collection method: clinical testing. Allele origin: germline.